The following is an entry in ClinVar:

NM_000094.4(COL7A1):c.3940_3963del (p.Gly1314_Ala1321del)

Gene: COL7A1 (collagen type VII alpha 1 chain; minus strand). Cytogenetic location: 3p21.31.
Variant type: Deletion.
Coding change: c.3940_3963del on transcript NM_000094.4 (MANE Select); coding-DNA positions 3940 to 3963, 24 bases deleted (GGGAATCCTGGGACCCCTGGAGCC).
Protein change: p.Gly1314_Ala1321del.
Molecular consequence: inframe deletion.
Genome position (GRCh38, 1-based): chr3:48,585,048-48,585,071, GGCTCCAGGGGTCCCAGGATTCCC deleted on the plus strand (GGGAATCCTGGGACCCCTGGAGCC on the coding strand, the reverse complement: COL7A1 is on the minus strand); deleting any 24 consecutive bases within chr3:48,585,048-48,585,074 gives the same sequence; the c. name uses the placement nearest the transcript's 3' end. VCF-style (leftmost placement, unchanged base first): chr3-48585047-GGGCTCCAGGGGTCCCAGGATTCCC-G. GRCh37 (hg19) VCF-style: chr3-48622480-GGGCTCCAGGGGTCCCAGGATTCCC-G.
Identifiers: ClinVar variation 3020769 (VCV003020769.3), dbSNP rs1451652011, ClinGen allele CA542792981.

ClinVar aggregate classification (germline): Pathogenic (1 of 4 stars; one submission).

Submission:

Labcorp Genetics (formerly Invitae), Labcorp
Classification: Pathogenic. Last evaluated: 2024-01-09. Review status: criteria provided, single submitter. Criteria: Invitae Variant Classification Sherloc (09022015). Collection method: clinical testing. Allele origin: germline.
Comment: This variant, c.3940_3963del, results in the deletion of 8 amino acid(s) of the COL7A1 protein (p.Gly1314_Ala1321del), but otherwise preserves the integrity of the reading frame. This variant is present in population databases (no rsID available, gnomAD 0.01%). This variant has not been reported in the literature in individuals affected with COL7A1-related conditions. This variant disrupts the triple helix domain of COL7A1. Glycine residues within the Gly-Xaa-Yaa repeats of the triple helix domain are required for the structure and stability of fibrillar collagens (PMID: 7695699, 8218237, 19344236), and variants at these glycine residues in COL7A1 are more frequently observed in individuals with disease than in the general population (PMID: 22058051). However, the clinical significance of this observation remains uncertain since only a limited number of affected individuals have been described to date. This variant disrupts a region of the COL7A1 protein in which other variant(s) (p.Gly1314Arg) have been determined to be pathogenic (PMID: 19681861; Invitae). This suggests that this is a clinically significant region of the protein, and that variants that disrupt it are likely to be disease-causing. For these reasons, this variant has been classified as Pathogenic.

Literature cited by the submitters: PubMed 7695699; PubMed 8218237; PubMed 19344236; PubMed 22058051; PubMed 19681861.